The following is an entry in ClinVar:

ClinVar aggregate classification (germline): Uncertain significance (1 of 4 stars; one submission).

Conditions:
Familial hypercholesterolemia. Also called: Familial hypercholesterolaemia. Identifiers: MedGen C0020445, MONDO:0005439.

Submission:

Color Diagnostics, LLC DBA Color Health
Classification: Uncertain significance for Familial hypercholesterolemia. Last evaluated: 2025-11-03. Review status: criteria provided, single submitter. Criteria: ACMG Guidelines, 2015. Collection method: clinical testing. Allele origin: germline.
Comment: This variant causes a C to T nucleotide substitution at the +6 position of intron 8 of the PCSK9 gene. To our knowledge, functional studies have not been reported for this variant. This variant has not been reported in individuals affected with PCSK9-related disorders in the literature. This variant has not been identified in the general population by the Genome Aggregation Database (gnomAD). The available evidence is insufficient to determine the role of this variant in disease conclusively. Therefore, this variant is classified as a Variant of Uncertain Significance.

NM_174936.4(PCSK9):c.1354+6C>T

Gene: PCSK9 (proprotein convertase subtilisin/kexin type 9; plus strand). Cytogenetic location: 1p32.3.
Variant type: single nucleotide variant.
Coding change: c.1354+6C>T on transcript NM_174936.4 (MANE Select); 6 bases into the intron after coding-DNA position 1354, C replaced by T.
Molecular consequence: intron variant.
Genome position (GRCh38, 1-based): chr1:55,058,215, C>T. VCF-style: chr1-55058215-C-T. GRCh37 (hg19) VCF-style: chr1-55523888-C-T.
Other names: c.979+6C>T (NM_001407246.1); c.1477+6C>T (NM_001407240.1); c.1357+6C>T (NM_001407242.1); c.1354+6C>T (NM_001407241.1); c.1181-284C>T (NM_001407244.1); c.1180+701C>T (NM_001407247.1); c.1297+6C>T (NM_001407243.1); c.1162+6C>T (NM_001407245.1).
Identifiers: ClinVar variation 4758247 (VCV004758247.1).